The following is an entry in ClinVar:

NM_000260.4(MYO7A):c.4039C>G (p.Arg1347Gly)

Gene: MYO7A (myosin VIIA; plus strand). Cytogenetic location: 11q13.5.
Variant type: single nucleotide variant.
Coding change: c.4039C>G on transcript NM_000260.4 (MANE Select); coding-DNA position 4039, C replaced by G.
Protein change: p.Arg1347Gly; replaces arginine 1347 with glycine.
Molecular consequence: missense variant.
Genome position (GRCh38, 1-based): chr11:77,192,165, C>G. VCF-style: chr11-77192165-C-G. GRCh37 (hg19) VCF-style: chr11-76903210-C-G.
Other names: c.4039C>G, p.Arg1347Gly (NM_001127180.2); c.4006C>G, p.Arg1336Gly (NM_001369365.1); short protein forms R1347G, R1336G.
Identifiers: ClinVar variation 1924078 (VCV001924078.5), dbSNP rs111534474, ClinGen allele CA381948812.

ClinVar aggregate classification (germline): Likely pathogenic (1 of 4 stars; one submission).

gnomAD v4.1: 1 of 1,614,022 alleles (0.000062%); highest among the groups gnomAD compares: East Asian, 0.0022%; no homozygotes.

Submission:

Labcorp Genetics (formerly Invitae), Labcorp
Classification: Likely pathogenic. Last evaluated: 2022-03-22. Review status: criteria provided, single submitter. Criteria: Invitae Variant Classification Sherloc (09022015). Collection method: clinical testing. Allele origin: germline.
Comment: This variant has not been reported in the literature in individuals affected with MYO7A-related conditions. This variant is not present in population databases (gnomAD no frequency). This sequence change replaces arginine, which is basic and polar, with glycine, which is neutral and non-polar, at codon 1347 of the MYO7A protein (p.Arg1347Gly). In summary, the currently available evidence indicates that the variant is pathogenic, but additional data are needed to prove that conclusively. Therefore, this variant has been classified as Likely Pathogenic. This variant disrupts the p.Arg1347 amino acid residue in MYO7A. Other variant(s) that disrupt this residue have been determined to be pathogenic (Invitae). This suggests that this residue is clinically significant, and that variants that disrupt this residue are likely to be disease-causing. Advanced modeling of protein sequence and biophysical properties (such as structural, functional, and spatial information, amino acid conservation, physicochemical variation, residue mobility, and thermodynamic stability) performed at Invitae indicates that this missense variant is expected to disrupt MYO7A protein function.